The following is an entry in ClinVar:

NM_005956.4(MTHFD1):c.1373C>T (p.Ala458Val)

Gene: MTHFD1 (methylenetetrahydrofolate dehydrogenase, cyclohydrolase and formyltetrahydrofolate synthetase 1; plus strand). Cytogenetic location: 14q23.3.
Variant type: single nucleotide variant.
Coding change: c.1373C>T on transcript NM_005956.4 (MANE Select); coding-DNA position 1373, C replaced by T.
Protein change: p.Ala458Val; replaces alanine 458 with valine.
Molecular consequence: missense variant.
Genome position (GRCh38, 1-based): chr14:64,431,593, C>T. VCF-style: chr14-64431593-C-T. GRCh37 (hg19) VCF-style: chr14-64898311-C-T.
Other names: c.1373C>T, p.Ala458Val (NM_001364837.1); short protein forms A458V.
Identifiers: ClinVar variation 1397717 (VCV001397717.4), dbSNP rs1283487328, ClinGen allele CA389991226.

ClinVar aggregate classification (germline): Uncertain significance (1 of 4 stars; one submission).

Allele frequency attached by ClinVar (database versions not stated): gnomAD exomes below 0.00001; TOPMed below 0.00001; gnomAD 0.00001.
gnomAD v4.1: 7 of 1,614,042 alleles (0.00043%); highest among the groups gnomAD compares: Non-Finnish European, 0.00059%; no homozygotes.

Submission:

Labcorp Genetics (formerly Invitae), Labcorp
Classification: Uncertain significance. Last evaluated: 2021-10-24. Review status: criteria provided, single submitter. Criteria: Invitae Variant Classification Sherloc (09022015). Collection method: clinical testing. Allele origin: germline.
Comment: In summary, the available evidence is currently insufficient to determine the role of this variant in disease. Therefore, it has been classified as a Variant of Uncertain Significance. Algorithms developed to predict the effect of missense changes on protein structure and function are either unavailable or do not agree on the potential impact of this missense change (SIFT: "Deleterious"; PolyPhen-2: "Probably Damaging"; Align-GVGD: "Class C0"). This variant has not been reported in the literature in individuals affected with MTHFD1-related conditions. This variant is not present in population databases (ExAC no frequency). This sequence change replaces alanine with valine at codon 458 of the MTHFD1 protein (p.Ala458Val). The alanine residue is highly conserved and there is a small physicochemical difference between alanine and valine.